The following is an entry in ClinVar:

ClinVar aggregate classification (germline): Uncertain significance (1 of 4 stars; one submission).

Conditions:
Familial adenomatous polyposis 2. Also called: COLORECTAL ADENOMATOUS POLYPOSIS, AUTOSOMAL RECESSIVE; ADENOMAS, MULTIPLE COLORECTAL, AUTOSOMAL RECESSIVE; MUTYH-associated polyposis; MUTYH-related attenuated familial adenomatous polyposis; MUTYH Polyposis; Adenomas, multiple colorectal. Identifiers: Orphanet 220460, Orphanet 247798, MedGen C3272841, MONDO:0012041, OMIM 608456.

Submission:

Labcorp Genetics (formerly Invitae), Labcorp
Classification: Uncertain significance for Familial adenomatous polyposis 2. Last evaluated: 2018-12-08. Review status: criteria provided, single submitter. Criteria: Invitae Variant Classification Sherloc (09022015). Collection method: clinical testing. Allele origin: germline.
Comment: In summary, the available evidence is currently insufficient to determine the role of this variant in disease. Therefore, it has been classified as a Variant of Uncertain Significance. This variant, c.866_874delTGTGTACCC, is a complex sequence change that results in the deletion of 2 amino acids of the MUTYH protein, and an insertion of 1 amino acid (p.Val289_Pro292delinsAla). This variant is not present in population databases (ExAC no frequency). This variant has not been reported in the literature in individuals with MUTYH-related conditions. Experimental studies and prediction algorithms are not available for this variant, and the functional significance of the affected amino acid(s) is currently unknown.

NM_001048174.2(MUTYH):c.782_790del (p.Val261_Pro264delinsAla)

Gene: MUTYH (mutY DNA glycosylase; minus strand). Cytogenetic location: 1p34.1.
Variant type: Deletion.
Coding change: c.782_790del on transcript NM_001048174.2 (MANE Select); coding-DNA positions 782 to 790, 9 bases deleted (TGTGTACCC; older notation c.782_790delTGTGTACCC).
Protein change: p.Val261_Pro264delinsAla.
Molecular consequence: inframe indel. On other transcripts: non-coding transcript variant (2).
Genome position (GRCh38, 1-based): chr1:45,332,225-45,332,233, GGGTACACA deleted on the plus strand (TGTGTACCC on the coding strand, the reverse complement: MUTYH is on the minus strand). VCF-style (leftmost placement, unchanged base first): chr1-45332224-GGGGTACACA-G. GRCh37 (hg19) VCF-style: chr1-45797896-GGGGTACACA-G.
Other names: c.866_874delTGTGTACCC (NM_001128425.1); c.782_790del, p.Val261_Pro264delinsAla (NM_001048171.2, NM_001048173.2, NM_001293195.2); c.785_793del, p.Val262_Pro265delinsAla (NM_001048172.2); c.866_874del, p.Val289_Pro292delinsAla (NM_001128425.2); c.827_835del, p.Val276_Pro279delinsAla (NM_001293190.2); c.815_823del, p.Val272_Pro275delinsAla (NM_001293191.2); c.506_514del, p.Val169_Pro172delinsAla (NM_001293192.2, NM_001293196.2); c.437_445del, p.Val146_Pro149delinsAla (NM_001350650.2, NM_001350651.2); and 1 more.
Identifiers: ClinVar variation 640844 (VCV000640844.8), dbSNP rs1570400946, ClinGen allele CA915941271.